The following is an entry in ClinVar:

ClinVar aggregate classification (germline): Benign/Likely benign. Review status: criteria provided, multiple submitters, no conflicts (2 of 4 stars). 3 submissions from 3 submitters: Benign (1); Likely benign (2). Last evaluated 2025-03-23.

Conditions:
Birt-Hogg-Dube syndrome. Also called: Birt Hogg Dubé syndrome. Identifiers: Orphanet 122, MedGen C0346010, MONDO:0800444.
Birt-Hogg-Dube syndrome 1 (BHD1). Also called: FIBROFOLLICULOMAS WITH TRICHODISCOMAS AND ACROCHORDONS. Identifiers: Orphanet 122, MedGen CN375946, MONDO:0800445, OMIM 135150.
Hereditary cancer-predisposing syndrome. Also called: Hereditary Cancer Syndrome; Neoplastic Syndromes, Hereditary; Hereditary neoplastic syndrome; Tumor predisposition. Identifiers: Orphanet 140162, MedGen C0027672, MeSH D009386, MONDO:0015356.

Allele frequency attached by ClinVar (database versions not stated): gnomAD exomes below 0.00001.

Submissions (3):

Labcorp Genetics (formerly Invitae), Labcorp
Classification: Likely benign for Birt-Hogg-Dube syndrome. Last evaluated: 2025-03-23. Review status: criteria provided, single submitter. Criteria: Invitae Variant Classification Sherloc (09022015). Collection method: clinical testing. Allele origin: germline.

Myriad Genetics, Inc.
Classification: Benign for Birt-Hogg-Dube syndrome 1. Last evaluated: 2024-10-23. Review status: criteria provided, single submitter. Criteria: Myriad Autosomal Dominant, Autosomal Recessive and X-Linked Classification Criteria (2023). Collection method: clinical testing. Allele origin: unknown.
Comment: This variant is considered benign. This variant is a silent/synonymous amino acid change and it is not expected to impact splicing.

Ambry Genetics
Classification: Likely benign for Hereditary cancer-predisposing syndrome. Last evaluated: 2019-10-18. Review status: criteria provided, single submitter. Criteria: Ambry Variant Classification Scheme 2023. Collection method: clinical testing. Allele origin: germline.

NM_144997.7(FLCN):c.996C>G (p.Leu332=)

Gene: FLCN (folliculin; minus strand). Cytogenetic location: 17p11.2.
Variant type: single nucleotide variant.
Coding change: c.996C>G on transcript NM_144997.7 (MANE Select); coding-DNA position 996, C replaced by G.
Protein change: p.Leu332=; no amino-acid change (leucine 332 retained).
Molecular consequence: synonymous variant.
Genome position (GRCh38, 1-based): chr17:17,219,085, G>C on the plus strand (C>G on the coding strand, the complement: FLCN is on the minus strand). VCF-style: chr17-17219085-G-C. GRCh37 (hg19) VCF-style: chr17-17122399-G-C.
Other names: c.1050C>G, p.Leu350= (NM_001353229.2); c.996C>G, p.Leu332= (NM_001353230.2, NM_001353231.2).
Identifiers: ClinVar variation 823583 (VCV000823583.13), dbSNP rs980011580, ClinGen allele CA498163539.
Genomic context (GRCh38, chr17:17,219,085, plus strand): 5'-CATGTGCCGGAGGGACTTGAAGACTGGCAGCTTCCGGGGCTGCCAGCTCCCACAGCCTGA[G>C]AGAGAGGAGGACTCTGCCGGGCCCTGGGTCAGCTCCCGCCCTTCTGTACTCTCTGGCAAC-3'
Protein context (NP_659434.2, residues 322-342): LTQGPAESSS[Leu332=]SGCGSWQPRK